The following is an entry in ClinVar:

NM_000179.3(MSH6):c.2225A>G (p.Asn742Ser)

Gene: MSH6 (mutS homolog 6; plus strand). Cytogenetic location: 2p16.3.
Variant type: single nucleotide variant.
Coding change: c.2225A>G on transcript NM_000179.3 (MANE Select); coding-DNA position 2225, A replaced by G.
Protein change: p.Asn742Ser; replaces asparagine 742 with serine.
Molecular consequence: missense variant.
Genome position (GRCh38, 1-based): chr2:47,800,208, A>G. VCF-style: chr2-47800208-A-G. GRCh37 (hg19) VCF-style: chr2-48027347-A-G.
Other names: c.1835A>G, p.Asn612Ser (NM_001281492.2); c.1319A>G, p.Asn440Ser (NM_001281493.2, NM_001281494.2); short protein forms N742S, N440S, N612S.
Identifiers: ClinVar variation 410422 (VCV000410422.12), dbSNP rs878853715, ClinGen allele CA16611000.

ClinVar aggregate classification (germline): Uncertain significance. Review status: criteria provided, multiple submitters, no conflicts (2 of 4 stars). 3 submissions from 3 submitters: Uncertain significance (3). Last evaluated 2025-11-19.

Conditions:
Hereditary cancer-predisposing syndrome. Also called: Tumor predisposition; Hereditary Cancer Syndrome; Hereditary neoplastic syndrome; Neoplastic Syndromes, Hereditary. Identifiers: Orphanet 140162, MedGen C0027672, MeSH D009386, MONDO:0015356.
Lynch syndrome. Identifiers: Orphanet 144, MedGen C4552100, MONDO:0005835. Disease mechanism: loss of function.
Hereditary nonpolyposis colorectal neoplasms. Identifiers: MedGen C0009405, MeSH D003123.

gnomAD v4.1: 5 of 1,614,178 alleles (0.00031%); highest among the groups gnomAD compares: East Asian, 0.0022%; no homozygotes.

Submissions (3):

Labcorp Genetics (formerly Invitae), Labcorp
Classification: Uncertain significance for Hereditary nonpolyposis colorectal neoplasms. Last evaluated: 2025-11-19. Review status: criteria provided, single submitter. Criteria: Invitae Variant Classification Sherloc (09022015). Collection method: clinical testing. Allele origin: germline.
Comment: This sequence change replaces asparagine, which is neutral and polar, with serine, which is neutral and polar, at codon 742 of the MSH6 protein (p.Asn742Ser). This variant is not present in population databases (gnomAD no frequency). This missense change has been observed in individual(s) with breast cancer (PMID: 26976419). ClinVar contains an entry for this variant (Variation ID: 410422). Invitae Evidence Modeling of protein sequence and biophysical properties (such as structural, functional, and spatial information, amino acid conservation, physicochemical variation, residue mobility, and thermodynamic stability) has been performed for this missense variant. However, the output from this modeling did not meet the statistical confidence thresholds required to predict the impact of this variant on MSH6 protein function. In summary, the available evidence is currently insufficient to determine the role of this variant in disease. Therefore, it has been classified as a Variant of Uncertain Significance.

Ambry Genetics
Classification: Uncertain significance for Hereditary cancer-predisposing syndrome. Last evaluated: 2025-08-03. Review status: criteria provided, single submitter. Criteria: Ambry Variant Classification Scheme 2023. Collection method: clinical testing. Allele origin: germline.
Comment: The p.N742S variant (also known as c.2225A>G), located in coding exon 4 of the MSH6 gene, results from an A to G substitution at nucleotide position 2225. The asparagine at codon 742 is replaced by serine, an amino acid with highly similar properties. This alteration has been reported in a cohort of 488 patients with stages I to III breast cancer who were tested with a 25-gene panel test (Tung N et al. J. Clin. Oncol., 2016 May;34:1460-8). This amino acid position is highly conserved in available vertebrate species. In addition, the in silico prediction for this alteration is inconclusive. Since supporting evidence is limited at this time, the clinical significance of this alteration remains unclear.

All of Us Research Program, National Institutes of Health
Classification: Uncertain significance for Lynch syndrome. Last evaluated: 2023-03-04. Review status: criteria provided, single submitter. Criteria: ACMG Guidelines, 2015. Collection method: clinical testing. Allele origin: germline. Inheritance: Autosomal dominant inheritance. Observed: 1 variant allele, 1 heterozygote.
Comment: This missense variant replaces asparagine with serine at codon 742 of the MSH6 protein. Computational prediction suggests that this variant may have deleterious impact on protein structure and function (internally defined REVEL score threshold >= 0.7, PMID: 27666373). To our knowledge, functional studies have not been reported for this variant. This variant has been reported in an individual affected with breast cancer (PMID: 26976419). This variant has not been identified in the general population by the Genome Aggregation Database (gnomAD). The available evidence is insufficient to determine the role of this variant in disease conclusively. Therefore, this variant is classified as a Variant of Uncertain Significance.

This study involves interpretation of variants in research participants for the purpose of population health screening. Participant phenotype was not available at the time of variant classification. Additional details can be found in publication PMID: 35346344, PMCID: PMC8962531

Literature cited by the submitters: PubMed 26976419 (cited by 3 submitters).